The following is an entry in ClinVar:

NM_001394062.1(MACF1):c.11516T>C (p.Leu3839Pro)

Gene: MACF1 (microtubule actin crosslinking factor 1; plus strand). Cytogenetic location: 1p34.3.
Variant type: single nucleotide variant.
Coding change: c.11516T>C on transcript NM_001394062.1 (MANE Select); coding-DNA position 11516, T replaced by C.
Protein change: p.Leu3839Pro; replaces leucine 3839 with proline.
Molecular consequence: missense variant.
Genome position (GRCh38, 1-based): chr1:39,357,466, T>C. VCF-style: chr1-39357466-T-C. GRCh37 (hg19) VCF-style: chr1-39823138-T-C.
Other names: c.5330T>C, p.Leu1777Pro (NM_012090.5); short protein forms L1777P, L3839P.
Identifiers: ClinVar variation 5018244 (VCV005018244.1).
Genomic context (GRCh38, chr1:39,357,466, plus strand): 5'-AAAATTTCATTCTGGCCACCCAGTCAGCTCAGGCCTTCTTGGATCAGCATGGCCACAATC[T>C]CACACCTGAGGAGCAACAGATGCTGCAACAGAAGCTGGGAGAGCTAAAGGAACAATACTC-3'
Protein context (NP_001380991.1, residues 3829-3849): QAFLDQHGHN[Leu3839Pro]TPEEQQMLQQ

ClinVar aggregate classification (germline): Uncertain significance (1 of 4 stars; one submission).

Submission:

GeneDx
Classification: Uncertain significance. Last evaluated: 2026-04-07. Review status: criteria provided, single submitter. Criteria: GeneDx Variant Classification Process June 2021. Collection method: clinical testing. Allele origin: germline.
Comment: Not observed at significant frequency in large population cohorts (gnomAD); In silico analysis supports that this missense variant has a deleterious effect on protein structure/function; Has not been previously published as pathogenic or benign to our knowledge